The following is an entry in ClinVar:

NM_022041.4(GAN):c.*764G>A

Gene: GAN (gigaxonin; plus strand). Cytogenetic location: 16q23.2.
Variant type: single nucleotide variant.
Coding change: c.*764G>A on transcript NM_022041.4 (MANE Select); 764 bases downstream of the stop codon, G replaced by A.
Molecular consequence: 3 prime UTR variant.
Genome position (GRCh38, 1-based): chr16:81,378,360, G>A. VCF-style: chr16-81378360-G-A. GRCh37 (hg19) VCF-style: chr16-81411965-G-A.
Other names: c.*764G>A (NM_001377486.1).
Identifiers: ClinVar variation 320679 (VCV000320679.6), dbSNP rs1934, ClinGen allele CA10648125.

ClinVar aggregate classification (germline): Benign. Review status: criteria provided, multiple submitters, no conflicts (2 of 4 stars). 2 submissions from 2 submitters: Benign (2). Last evaluated 2018-01-12.

Conditions:
Giant axonal neuropathy 1 (GAN1). Also called: GAN-Related Neurodegeneration; GIANT AXONAL NEUROPATHY 1, AUTOSOMAL RECESSIVE. Identifiers: Orphanet 643, MedGen C1850386, MONDO:0009749, OMIM 256850.

Allele frequency attached by ClinVar (database versions not stated): gnomAD exomes 0.01190; gnomAD 0.05549 and 0.05779; TOPMed 0.05743; 1000 Genomes Project 0.06030; 1000 Genomes Project 30x 0.06246.
gnomAD v4.1: 8,374 of 152,348 alleles (5.5%); highest among the groups gnomAD compares: African/African-American, 14%; 439 homozygotes.

Submissions (2):

Illumina Laboratory Services, Illumina
Classification: Benign for Giant axonal neuropathy 1. Last evaluated: 2018-01-12. Review status: criteria provided, single submitter. Criteria: ICSL Variant Classification Criteria 13 December 2019. Collection method: clinical testing. Allele origin: germline.
Comment: This variant was observed in the ICSL laboratory as part of a predisposition screen in an ostensibly healthy population. It had not been previously curated by ICSL or reported in the Human Gene Mutation Database (HGMD: prior to June 1st, 2018), and was therefore a candidate for classification through an automated scoring system. Utilizing variant allele frequency, disease prevalence and penetrance estimates, and inheritance mode, an automated score was calculated to assess if this variant is too frequent to cause the disease. Based on the score and internal cut-off values, a variant classified as benign is not then subjected to further curation. The score for this variant resulted in a classification of benign for this disease.

Breakthrough Genomics
Classification: Benign. Review status: criteria provided, single submitter. Criteria: ACMG Guidelines, 2015. Collection method: not provided. Allele origin: germline. Inheritance: Autosomal recessive inheritance. Affected: yes.